The following is an entry in ClinVar:

NM_003235.5(TG):c.1021_1022insTCCG (p.Ala341fs)

Gene: TG (thyroglobulin; plus strand). Cytogenetic location: 8q24.22.
Variant type: Insertion.
Coding change: c.1021_1022insTCCG on transcript NM_003235.5 (MANE Select); coding-DNA positions 1021 to 1022, TCCG inserted.
Protein change: p.Ala341fs; shifts the reading frame from alanine 341.
Molecular consequence: frameshift variant.
Genome position: GRCh38 VCF-style: chr8-132882943-A-ACGTC. GRCh37 (hg19) VCF-style: chr8-133895188-A-ACGTC.
Other names: short protein forms A341fs.
Identifiers: ClinVar variation 3015034 (VCV003015034.3), dbSNP rs1249844474, ClinGen allele CA584921092.

ClinVar aggregate classification (germline): Pathogenic (1 of 4 stars; one submission).

Submission:

Labcorp Genetics (formerly Invitae), Labcorp
Classification: Pathogenic. Last evaluated: 2023-12-15. Review status: criteria provided, single submitter. Criteria: Invitae Variant Classification Sherloc (09022015). Collection method: clinical testing. Allele origin: germline.
Comment: This sequence change creates a premature translational stop signal (p.Ala341Valfs*21) in the TG gene. It is expected to result in an absent or disrupted protein product. Loss-of-function variants in TG are known to be pathogenic (PMID: 19837936, 23164529). This variant is present in population databases (no rsID available, gnomAD 0.007%). This variant has not been reported in the literature in individuals affected with TG-related conditions. For these reasons, this variant has been classified as Pathogenic.

Literature cited by the submitters: PubMed 19837936; PubMed 23164529.